The following is an entry in ClinVar:

NM_032188.3(KAT8):c.1214T>C (p.Met405Thr)

Gene: KAT8 (lysine acetyltransferase 8; plus strand). Cytogenetic location: 16p11.2.
Variant type: single nucleotide variant.
Coding change: c.1214T>C on transcript NM_032188.3 (MANE Select); coding-DNA position 1214, T replaced by C.
Protein change: p.Met405Thr; replaces methionine 405 with threonine.
Molecular consequence: missense variant.
Genome position (GRCh38, 1-based): chr16:31,130,802, T>C. VCF-style: chr16-31130802-T-C. GRCh37 (hg19) VCF-style: chr16-31142123-T-C.
Other names: c.1214T>C, p.Met405Thr (NM_182958.4); short protein forms M405T.
Identifiers: ClinVar variation 4688062 (VCV004688062.1).

ClinVar aggregate classification (germline): Likely benign (1 of 4 stars; one submission).

Conditions:
Li-Ghorbani-Weisz-Hubshman syndrome. Identifiers: MedGen C5436525, MONDO:0033547, OMIM 618974.

Submission:

Centre for Medical Genetics,  Mumbai
Classification: Likely benign for Li-Ghorbani-Weisz-Hubshman syndrome. Last evaluated: 2026-01-30. Review status: criteria provided, single submitter. Criteria: ACMG Guidelines, 2015. Collection method: provider interpretation. Allele origin: germline. Inheritance: Autosomal dominant inheritance. Affected: no. Observed: 1 heterozygote.
Comment: The variant satisfies PM2 criteria; Extremely low frequency in gnomAD population databases. The variant satisfies PP3 criteria; For a missense or a splicing region variant, computational prediction tools unanimously support a deleterious effect on the gene. The variant satisfies PP2 criteria; Missense variant in a gene with low rate of benign missense mutations and for which missense mutation is a common mechanism of a disease. However, tthe variant satisfies BS2 criteria.

Literature cited by the submitters: PubMed 31794431.